The following is an entry in ClinVar:

NM_006231.4(POLE):c.6408C>T (p.Gly2136=)

Gene: POLE (DNA polymerase epsilon, catalytic subunit; minus strand). Cytogenetic location: 12q24.33.
Variant type: single nucleotide variant.
Coding change: c.6408C>T on transcript NM_006231.4 (MANE Select); coding-DNA position 6408, C replaced by T.
Protein change: p.Gly2136=; no amino-acid change (glycine 2136 retained).
Molecular consequence: synonymous variant.
Genome position (GRCh38, 1-based): chr12:132,626,240, G>A on the plus strand (C>T on the coding strand, the complement: POLE is on the minus strand). VCF-style: chr12-132626240-G-A. GRCh37 (hg19) VCF-style: chr12-133202826-G-A.
Identifiers: ClinVar variation 392580 (VCV000392580.19), dbSNP rs1057524549, ClinGen allele CA16607123.

ClinVar aggregate classification (germline): Conflicting classifications of pathogenicity. Review status: criteria provided, conflicting classifications (1 of 4 stars). 5 submissions from 5 submitters: Uncertain significance (4); Likely benign (1). Last evaluated 2026-01-19.

Conditions:
Hereditary cancer-predisposing syndrome. Also called: Neoplastic Syndromes, Hereditary; Hereditary Cancer Syndrome; Tumor predisposition; Hereditary neoplastic syndrome. Identifiers: Orphanet 140162, MedGen C0027672, MeSH D009386, MONDO:0015356.
Colorectal cancer, susceptibility to, 12 (CRCS12). Also called: COLORECTAL CANCER, SUSCEPTIBILITY TO, ON CHROMOSOME 12q24. Identifiers: Orphanet 220460, MedGen C3554460, MONDO:0014038, OMIM 615083.

Allele frequency attached by ClinVar (database versions not stated): TOPMed below 0.00001; gnomAD exomes 0.00001 and 0.00002; gnomAD 0.00003.
gnomAD v4.1: 27 of 1,613,834 alleles (0.0017%); highest among the groups gnomAD compares: East Asian, 0.0045%; no homozygotes.

Submissions (5):

Labcorp Genetics (formerly Invitae), Labcorp
Classification: Likely benign. Last evaluated: 2026-01-19. Review status: criteria provided, single submitter. Criteria: Invitae Variant Classification Sherloc (09022015). Collection method: clinical testing. Allele origin: germline.

Ambry Genetics
Classification: Uncertain significance for Hereditary cancer-predisposing syndrome. Last evaluated: 2024-12-16. Review status: criteria provided, single submitter. Criteria: Ambry Variant Classification Scheme 2023. Collection method: clinical testing. Allele origin: germline.
Comment: The c.6408C>T variant (also known as p.G2136G), located in coding exon 46 of the POLE gene, results from a C to T substitution at nucleotide position 6408. This nucleotide substitution does not change the glycine at codon 2136. This nucleotide position is poorly conserved in available vertebrate species. In silico splice site analysis predicts that this alteration will result in the creation or strengthening of a novel splice donor site. Based on the available evidence, the clinical significance of this variant remains unclear.

GeneDx
Classification: Uncertain significance. Last evaluated: 2024-08-23. Review status: criteria provided, single submitter. Criteria: GeneDx Variant Classification Process June 2021. Collection method: clinical testing. Allele origin: germline. Affected: yes.
Comment: Not observed at significant frequency in large population cohorts (gnomAD); In silico analysis supports a deleterious effect on splicing; Has not been previously published as pathogenic or benign to our knowledge

St. Jude Molecular Pathology, St. Jude Children's Research Hospital
Classification: Uncertain significance for Colorectal cancer, susceptibility to, 12. Last evaluated: 2021-08-10. Review status: criteria provided, single submitter. Criteria: St. Jude Assertion Criteria 2020. Collection method: clinical testing. Allele origin: germline.
Comment: The POLE c.6408C>T (p.Gly2136=) synonymous change has a maximum subpopulation frequency of 0.0033% in gnomAD v2.1.1. Algorithms that predict the impact of sequence changes on splicing indicate that this change may create or activate a cryptic donor splice site, but RNA studies indicate no splicing effect (BS3_supporting; internal data). To our knowledge, this variant has not been reported in individuals with POLE-related disorders. In summary, this variant meets criteria to be classified as of uncertain significance based on the ACMG/AMP criteria: BS3_supporting.

PreventionGenetics, part of Exact Sciences
Classification: Uncertain significance. Last evaluated: 2017-11-30. Review status: criteria provided, single submitter. Criteria: ACMG Guidelines, 2015. Collection method: clinical testing. Allele origin: germline.